The following is an entry in ClinVar:

NM_002156.5(HSPD1):c.95T>G (p.Phe32Cys)

Gene: HSPD1 (heat shock protein family D (Hsp60) member 1; minus strand). Cytogenetic location: 2q33.1.
Variant type: single nucleotide variant.
Coding change: c.95T>G on transcript NM_002156.5 (MANE Select); coding-DNA position 95, T replaced by G.
Protein change: p.Phe32Cys; replaces phenylalanine 32 with cysteine.
Molecular consequence: missense variant.
Genome position (GRCh38, 1-based): chr2:197,498,754, A>C on the plus strand (T>G on the coding strand, the complement: HSPD1 is on the minus strand). VCF-style: chr2-197498754-A-C. GRCh37 (hg19) VCF-style: chr2-198363478-A-C.
Other names: c.95T>G, p.Phe32Cys (NM_199440.2); c.95T>G (NM_002156.4); short protein forms F32C.
Identifiers: ClinVar variation 1368530 (VCV001368530.10), dbSNP rs757619883, ClinGen allele CA2043689.

ClinVar aggregate classification (germline): Uncertain significance. Review status: criteria provided, multiple submitters, no conflicts (2 of 4 stars). 2 submissions from 2 submitters: Uncertain significance (2). Last evaluated 2021-03-29.

Conditions:
Spastic paraplegia. Identifiers: MedGen C0037772, HP:0001258.

Allele frequency attached by ClinVar (database versions not stated): gnomAD exomes below 0.00001.

Submissions (2):

Labcorp Genetics (formerly Invitae), Labcorp
Classification: Uncertain significance for Spastic paraplegia. Last evaluated: 2021-03-29. Review status: criteria provided, single submitter. Criteria: Invitae Variant Classification Sherloc (09022015). Collection method: clinical testing. Allele origin: germline.
Comment: In summary, the available evidence is currently insufficient to determine the role of this variant in disease. Therefore, it has been classified as a Variant of Uncertain Significance. Algorithms developed to predict the effect of missense changes on protein structure and function are either unavailable or do not agree on the potential impact of this missense change (SIFT: "Deleterious"; PolyPhen-2: "Probably Damaging"; Align-GVGD: "Class C0"). This variant has not been reported in the literature in individuals with HSPD1-related conditions. This variant is present in population databases (rs757619883, ExAC 0.009%). This sequence change replaces phenylalanine with cysteine at codon 32 of the HSPD1 protein (p.Phe32Cys). The phenylalanine residue is moderately conserved and there is a large physicochemical difference between phenylalanine and cysteine.

Revvity Omics, Revvity
Classification: Uncertain significance. Last evaluated: 2021-02-26. Review status: criteria provided, single submitter. Criteria: ACMG Guidelines, 2015. Collection method: clinical testing. Allele origin: germline.